The following is an entry in ClinVar:

NM_025099.6(CTC1):c.3463A>G (p.Ile1155Val)

Gene: CTC1 (CST telomere replication complex component 1; minus strand). Cytogenetic location: 17p13.1.
Variant type: single nucleotide variant.
Coding change: c.3463A>G on transcript NM_025099.6 (MANE Select); coding-DNA position 3463, A replaced by G.
Protein change: p.Ile1155Val; replaces isoleucine 1155 with valine.
Molecular consequence: missense variant. On other transcripts: non-coding transcript variant (1).
Genome position (GRCh38, 1-based): chr17:8,228,554, T>C on the plus strand (A>G on the coding strand, the complement: CTC1 is on the minus strand). VCF-style: chr17-8228554-T-C. GRCh37 (hg19) VCF-style: chr17-8131872-T-C.
Other names: short protein forms I1155V.
Identifiers: ClinVar variation 841298 (VCV000841298.14), dbSNP rs571554235, ClinGen allele CA8371766.

ClinVar aggregate classification (germline): Conflicting classifications of pathogenicity. Review status: criteria provided, conflicting classifications (1 of 4 stars). 6 submissions from 6 submitters: Uncertain significance (4); Likely benign (2). Last evaluated 2024-12-16.

Conditions:
Inborn genetic diseases. Identifiers: MedGen C0950123, MeSH D030342.
Cerebroretinal microangiopathy with calcifications and cysts 1 (CRMCC1). Identifiers: Orphanet 313838, MedGen C4552029, MONDO:0024564, OMIM 612199.
Dyskeratosis congenita. Identifiers: Orphanet 1775, MedGen C0265965, MONDO:0015780.

Allele frequency attached by ClinVar (database versions not stated): gnomAD exomes 0.00002 and 0.00007; ExAC 0.00006; 1000 Genomes Project 30x 0.00016; 1000 Genomes Project 0.00020; gnomAD 0.00020 and 0.00022; TOPMed 0.00049.
gnomAD v4.1: 75 of 1,613,960 alleles (0.0046%); highest among the groups gnomAD compares: Admixed American, 0.077%; no homozygotes.

Submissions (6):

Labcorp Genetics (formerly Invitae), Labcorp
Classification: Uncertain significance for Dyskeratosis congenita. Last evaluated: 2024-12-16. Review status: criteria provided, single submitter. Criteria: Invitae Variant Classification Sherloc (09022015). Collection method: clinical testing. Allele origin: germline.
Comment: This sequence change replaces isoleucine, which is neutral and non-polar, with valine, which is neutral and non-polar, at codon 1155 of the CTC1 protein (p.Ile1155Val). This variant is present in population databases (rs571554235, gnomAD 0.03%). This variant has not been reported in the literature in individuals affected with CTC1-related conditions. ClinVar contains an entry for this variant (Variation ID: 841298). An algorithm developed to predict the effect of missense changes on protein structure and function outputs the following: PolyPhen-2: "Benign". The valine amino acid residue is found in multiple mammalian species, which suggests that this missense change does not adversely affect protein function. In summary, the available evidence is currently insufficient to determine the role of this variant in disease. Therefore, it has been classified as a Variant of Uncertain Significance.

Ambry Genetics
Classification: Likely benign for Inborn genetic diseases. Last evaluated: 2024-09-27. Review status: criteria provided, single submitter. Criteria: Ambry Variant Classification Scheme 2023. Collection method: clinical testing. Allele origin: germline.

Fulgent Genetics
Classification: Uncertain significance for Cerebroretinal microangiopathy with calcifications and cysts 1. Last evaluated: 2024-06-11. Review status: criteria provided, single submitter. Criteria: ACMG Guidelines, 2015. Collection method: clinical testing. Allele origin: germline.

Blueprint Genetics
Classification: Likely benign. Last evaluated: 2024-05-17. Review status: criteria provided, single submitter. Criteria: ACMG Guidelines, 2015. Collection method: clinical testing. Allele origin: germline.

GeneDx
Classification: Uncertain significance. Last evaluated: 2023-08-07. Review status: criteria provided, single submitter. Criteria: GeneDx Variant Classification Process June 2021. Collection method: clinical testing. Allele origin: germline. Affected: yes.
Comment: In silico analysis supports that this missense variant does not alter protein structure/function; Has not been previously published as pathogenic or benign to our knowledge

Genetic Services Laboratory, University of Chicago
Classification: Uncertain significance. Last evaluated: 2019-04-17. Review status: criteria provided, single submitter. Criteria: ACMG Guidelines, 2015. Collection method: clinical testing. Allele origin: germline. Affected: no.